The following is an entry in ClinVar:

ClinVar aggregate classification (germline): Uncertain significance. Review status: criteria provided, multiple submitters, no conflicts (2 of 4 stars). 2 submissions from 2 submitters: Uncertain significance (2). Last evaluated 2025-05-05.

Conditions:
Gorlin syndrome. Also called: Basal cell nevus syndrome; Nevoid Basal Cell Carcinoma Syndrome. Identifiers: Orphanet 377, MedGen C0004779, MONDO:0007187.
Hereditary cancer-predisposing syndrome. Also called: Neoplastic Syndromes, Hereditary; Tumor predisposition; Hereditary neoplastic syndrome; Hereditary Cancer Syndrome. Identifiers: Orphanet 140162, MedGen C0027672, MeSH D009386, MONDO:0015356.

Submissions (2):

Labcorp Genetics (formerly Invitae), Labcorp
Classification: Uncertain significance for Gorlin syndrome. Last evaluated: 2025-05-05. Review status: criteria provided, single submitter. Criteria: Invitae Variant Classification Sherloc (09022015). Collection method: clinical testing. Allele origin: germline.
Comment: This sequence change replaces aspartic acid, which is acidic and polar, with glutamic acid, which is acidic and polar, at codon 930 of the PTCH1 protein (p.Asp930Glu). This variant is not present in population databases (gnomAD no frequency). This variant has not been reported in the literature in individuals affected with PTCH1-related conditions. ClinVar contains an entry for this variant (Variation ID: 1796040). Invitae Evidence Modeling of protein sequence and biophysical properties (such as structural, functional, and spatial information, amino acid conservation, physicochemical variation, residue mobility, and thermodynamic stability) has been performed for this missense variant. However, the output from this modeling did not meet the statistical confidence thresholds required to predict the impact of this variant on PTCH1 protein function. In summary, the available evidence is currently insufficient to determine the role of this variant in disease. Therefore, it has been classified as a Variant of Uncertain Significance.

Ambry Genetics
Classification: Uncertain significance for Hereditary cancer-predisposing syndrome. Last evaluated: 2021-03-07. Review status: criteria provided, single submitter. Criteria: Ambry Variant Classification Scheme 2023. Collection method: clinical testing. Allele origin: germline.
Comment: The p.D930E variant (also known as c.2790C>A), located in coding exon 17 of the PTCH1 gene, results from a C to A substitution at nucleotide position 2790. The aspartic acid at codon 930 is replaced by glutamic acid, an amino acid with highly similar properties. This amino acid position is highly conserved in available vertebrate species. In addition, the in silico prediction for this alteration is inconclusive. Since supporting evidence is limited at this time, the clinical significance of this alteration remains unclear.

NM_000264.5(PTCH1):c.2790C>A (p.Asp930Glu)

Gene: PTCH1 (patched 1; minus strand). Cytogenetic location: 9q22.32.
Variant type: single nucleotide variant.
Coding change: c.2790C>A on transcript NM_000264.5 (MANE Select); coding-DNA position 2790, C replaced by A.
Protein change: p.Asp930Glu; replaces aspartic acid 930 with glutamic acid.
Molecular consequence: missense variant. On other transcripts: non-coding transcript variant (1).
Genome position (GRCh38, 1-based): chr9:95,459,697, G>T on the plus strand (C>A on the coding strand, the complement: PTCH1 is on the minus strand). VCF-style: chr9-95459697-G-T. GRCh37 (hg19) VCF-style: chr9-98221979-G-T.
Other names: c.2592C>A, p.Asp864Glu (NM_001083602.3); c.2787C>A, p.Asp929Glu (NM_001083603.3); c.2337C>A, p.Asp779Glu (NM_001083604.3, NM_001083605.3, NM_001083606.3 and 1 more transcripts); c.2634C>A, p.Asp878Glu (NM_001354918.2); short protein forms D864E, D929E, D779E, D930E, D878E.
Identifiers: ClinVar variation 1796040 (VCV001796040.5), dbSNP rs1839290937, ClinGen allele CA374113071.